The following is an entry in ClinVar:

NM_021815.5(SLC5A7):c.1690C>G (p.Leu564Val)

Gene: SLC5A7 (solute carrier family 5 member 7; plus strand). Cytogenetic location: 2q12.3.
Variant type: single nucleotide variant.
Coding change: c.1690C>G on transcript NM_021815.5 (MANE Select); coding-DNA position 1690, C replaced by G.
Protein change: p.Leu564Val; replaces leucine 564 with valine.
Molecular consequence: missense variant.
Genome position (GRCh38, 1-based): chr2:108,010,808, C>G. VCF-style: chr2-108010808-C-G. GRCh37 (hg19) VCF-style: chr2-108627264-C-G.
Other names: c.1690C>G, p.Leu564Val (NM_001305005.3); c.1375C>G, p.Leu459Val (NM_001305006.3); c.949C>G, p.Leu317Val (NM_001305007.3); short protein forms L564V, L317V, L459V.
Identifiers: ClinVar variation 464172 (VCV000464172.6), dbSNP rs1553460067, ClinGen allele CA348115139.

ClinVar aggregate classification (germline): Uncertain significance (1 of 4 stars; one submission).

Conditions:
Congenital myasthenic syndrome 20. Also called: Myasthenic syndrome, congenital, 20, presynaptic. Identifiers: MedGen C4310694, MONDO:0014939, OMIM 617143.
Neuronopathy, distal hereditary motor, type 7A. Also called: NEURONOPATHY, DISTAL HEREDITARY MOTOR, HARDING TYPE VIIA; NEUROPATHY, DISTAL HEREDITARY MOTOR, HARDING TYPE VIIA; Neuronopathy, distal hereditary motor, autosomal dominant 7; Neuronopathy, distal hereditary motor, type viia; HARPER-YOUNG MYOPATHY; HMN VIIA. Identifiers: Orphanet 139589, MedGen C1834703, MONDO:0008024, OMIM 158580.

Submission:

Labcorp Genetics (formerly Invitae), Labcorp
Classification: Uncertain significance for Neuronopathy, distal hereditary motor, type 7A; Congenital myasthenic syndrome 20. Last evaluated: 2017-11-16. Review status: criteria provided, single submitter. Criteria: Invitae Variant Classification Sherloc (09022015). Collection method: clinical testing. Allele origin: germline.
Comment: In summary, the available evidence is currently insufficient to determine the role of this variant in disease. Therefore, it has been classified as a Variant of Uncertain Significance. Algorithms developed to predict the effect of missense changes on protein structure and function output the following: SIFT: "Tolerated"; PolyPhen-2: "Benign"; Align-GVGD: "Class C0". The valine amino acid residue is found in multiple mammalian species, suggesting that this missense change does not adversely affect protein function. These predictions have not been confirmed by published functional studies and their clinical significance is uncertain. This variant has not been reported in the literature in individuals with SLC5A7-related disease. This variant is not present in population databases (ExAC no frequency). This sequence change replaces leucine with valine at codon 564 of the SLC5A7 protein (p.Leu564Val). The leucine residue is moderately conserved and there is a small physicochemical difference between leucine and valine.